The following is an entry in ClinVar:

NM_006766.5(KAT6A):c.209C>T (p.Ser70Phe)

Gene: KAT6A (lysine acetyltransferase 6A; minus strand). Cytogenetic location: 8p11.21.
Variant type: single nucleotide variant.
Coding change: c.209C>T on transcript NM_006766.5 (MANE Select); coding-DNA position 209, C replaced by T.
Protein change: p.Ser70Phe; replaces serine 70 with phenylalanine.
Molecular consequence: missense variant.
Genome position (GRCh38, 1-based): chr8:42,048,769, G>A on the plus strand (C>T on the coding strand, the complement: KAT6A is on the minus strand). VCF-style: chr8-42048769-G-A. GRCh37 (hg19) VCF-style: chr8-41906287-G-A.
Other names: c.209C>T, p.Ser70Phe (NM_001305878.2); short protein forms S70F.
Identifiers: ClinVar variation 3361702 (VCV003361702.1).

ClinVar aggregate classification (germline): Uncertain significance (1 of 4 stars; one submission).

Submission:

GeneDx
Classification: Uncertain significance. Last evaluated: 2023-07-30. Review status: criteria provided, single submitter. Criteria: GeneDx Variant Classification Process June 2021. Collection method: clinical testing. Allele origin: germline. Affected: yes.
Comment: Not observed at significant frequency in large population cohorts (gnomAD); In silico analysis supports that this missense variant has a deleterious effect on protein structure/function; Has not been previously published as pathogenic or benign to our knowledge